The following is an entry in ClinVar:

NM_000284.4(PDHA1):c.1157_1162dup (p.Lys387_Ser388insPheLys)

Gene: PDHA1 (pyruvate dehydrogenase E1 subunit alpha 1; plus strand). Cytogenetic location: Xp22.12.
Variant type: Duplication.
Coding change: c.1157_1162dup on transcript NM_000284.4 (MANE Select); coding-DNA positions 1157 to 1162, 6 bases duplicated (TTAAGT; older notation c.1157_1162dupTTAAGT).
Protein change: p.Lys387_Ser388insPheLys.
Molecular consequence: inframe insertion.
Genome position (GRCh38, 1-based): chrX:19,359,637-19,359,642, TTAAGT duplicated; duplicating any 6 consecutive bases within chrX:19,359,633-19,359,642 gives the same sequence; the c. name uses the placement nearest the transcript's 3' end. VCF-style (leftmost placement, unchanged base first): chrX-19359632-C-CAAGTTT. GRCh37 (hg19) VCF-style: chrX-19377750-C-CAAGTTT.
Other names: c.1271_1276dup, p.Lys425_Ser426insPheLys (NM_001173454.2); c.1178_1183dup, p.Lys394_Ser395insPheLys (NM_001173455.2); c.1064_1069dup, p.Lys356_Ser357insPheLys (NM_001173456.2).
Identifiers: ClinVar variation 4070479 (VCV004070479.1).

ClinVar aggregate classification (germline): Pathogenic (0 of 4 stars; one submission).

Conditions:
Pyruvate dehydrogenase E1-alpha deficiency (PDHAD). Also called: ATAXIA, INTERMITTENT, WITH PYRUVATE DEHYDROGENASE DEFICIENCY; ATAXIA WITH LACTIC ACIDOSIS I; ATAXIA, INTERMITTENT, WITH ABNORMAL PYRUVATE METABOLISM; Ataxia, intermittent, with pyruvate dehydrogenase, or decarboxylase, deficiency. Identifiers: Orphanet 79243, MedGen C1839413, MONDO:0010717, OMIM 312170.

Submission:

PDHA1 Study Group, University Children’s Hospital, Paracelsus Medical University
Classification: Pathogenic for Pyruvate dehydrogenase E1-alpha deficiency. Last evaluated: 2024-10-15. Review status: no assertion criteria provided. Collection method: research. Allele origin: de novo. Affected: yes. Observed: 1 variant allele.
Comment: The NM_000284.3:c.1157_1162dup (p.Phe386_Lys387dup) change is a deletion-insertion (delins) variant in PDHA1 gene. Among them, 1 case had confirmed de novo occurrence. The variant has been reported in 1 published case (PMIDs: 8962591). Last literature search: July 12, 2024. This variant is absent or extremely rare in population-based cohorts in the Genome Aggregation Database (gnomAD). Individuals harboring this variant presented with clinical features compatible with PDHA1-related PDHc deficiency. In summary, this variant meets criteria to be classified as pathogenic (P) for PDHA1-related PDHc deficiency based on the ACMG/AMP criteria applied: PVS1, PM2, PM7 (last assessment October 15, 2024).

Literature cited by the submitters: PubMed 8962591; DOI 10.1093/brain/awaf430.